The following is an entry in ClinVar:

ClinVar aggregate classification (germline): Uncertain significance (1 of 4 stars; one submission).

Conditions:
Rhabdoid tumor predisposition syndrome 2 (RTPS2). Identifiers: Orphanet 231108, Orphanet 69077, MedGen C2750074, MONDO:0013224, OMIM 613325.

Submission:

Labcorp Genetics (formerly Invitae), Labcorp
Classification: Uncertain significance for Rhabdoid tumor predisposition syndrome 2. Last evaluated: 2025-03-16. Review status: criteria provided, single submitter. Criteria: Invitae Variant Classification Sherloc (09022015). Collection method: clinical testing. Allele origin: germline.
Comment: This sequence change replaces glutamine, which is neutral and polar, with lysine, which is basic and polar, at codon 575 of the SMARCA4 protein (p.Gln575Lys). This variant is not present in population databases (gnomAD no frequency). This variant has not been reported in the literature in individuals affected with SMARCA4-related conditions. Invitae Evidence Modeling of protein sequence and biophysical properties (such as structural, functional, and spatial information, amino acid conservation, physicochemical variation, residue mobility, and thermodynamic stability) has been performed for this missense variant. However, the output from this modeling did not meet the statistical confidence thresholds required to predict the impact of this variant on SMARCA4 protein function. In summary, the available evidence is currently insufficient to determine the role of this variant in disease. Therefore, it has been classified as a Variant of Uncertain Significance.

NM_003072.5(SMARCA4):c.1723C>A (p.Gln575Lys)

Gene: SMARCA4 (SWI/SNF related BAF chromatin remodeling complex subunit ATPase 4; plus strand). Cytogenetic location: 19p13.2.
Variant type: single nucleotide variant.
Coding change: c.1723C>A on transcript NM_003072.5 (MANE Select); coding-DNA position 1723, C replaced by A.
Protein change: p.Gln575Lys; replaces glutamine 575 with lysine.
Molecular consequence: missense variant. On other transcripts: non-coding transcript variant (1).
Genome position (GRCh38, 1-based): chr19:10,996,342, C>A. VCF-style: chr19-10996342-C-A. GRCh37 (hg19) VCF-style: chr19-11107018-C-A.
Other names: c.1723C>A, p.Gln575Lys (NM_001128844.3, NM_001128845.2, NM_001128846.2 and 6 more transcripts); short protein forms Q575K.
Identifiers: ClinVar variation 4802556 (VCV004802556.1).